The following is an entry in ClinVar:

ClinVar aggregate classification (germline): Uncertain significance (1 of 4 stars; one submission).

Submission:

GeneDx
Classification: Uncertain significance. Last evaluated: 2024-03-20. Review status: criteria provided, single submitter. Criteria: GeneDx Variant Classification Process June 2021. Collection method: clinical testing. Allele origin: germline. Affected: yes.
Comment: Not observed at significant frequency in large population cohorts (gnomAD); In-frame deletion of 1 amino acid in a non-repeat region; In silico analysis supports a deleterious effect on protein structure/function; Has not been previously published as pathogenic or benign to our knowledge

NM_006245.4(PPP2R5D):c.22_24del (p.Glu8del)

Gene: PPP2R5D (protein phosphatase 2 regulatory subunit B'delta; plus strand). Cytogenetic location: 6p21.1.
Variant type: Deletion.
Coding change: c.22_24del on transcript NM_006245.4 (MANE Select); coding-DNA positions 22 to 24, 3 bases deleted (GAG; older notation c.22_24delGAG).
Protein change: p.Glu8del; deletes glutamic acid 8.
Molecular consequence: 5 prime UTR variant (on NM_001270476.2).
Genome position (GRCh38, 1-based): chr6:42,984,699-42,984,701, GAG deleted; deleting any 3 consecutive bases within chr6:42,984,697-42,984,701 gives the same sequence; the c. name uses the placement nearest the transcript's 3' end. VCF-style (leftmost placement, unchanged base first): chr6-42984696-AAGG-A. GRCh37 (hg19) VCF-style: chr6-42952434-AAGG-A.
Other names: c.-449_-447del (NM_001270476.2); c.22_24del, p.Glu8del (NM_180976.3, NM_180977.3); short protein forms E8del.
Identifiers: ClinVar variation 3370983 (VCV003370983.1).